The following is an entry in ClinVar:

NM_001367624.2(ZNF469):c.4771G>A (p.Ala1591Thr)

Gene: ZNF469 (zinc finger protein 469; plus strand). Cytogenetic location: 16q24.2.
Variant type: single nucleotide variant.
Coding change: c.4771G>A on transcript NM_001367624.2 (MANE Select); coding-DNA position 4771, G replaced by A.
Protein change: p.Ala1591Thr; replaces alanine 1591 with threonine.
Molecular consequence: missense variant.
Genome position (GRCh38, 1-based): chr16:88,432,241, G>A. VCF-style: chr16-88432241-G-A. GRCh37 (hg19) VCF-style: chr16-88498649-G-A.
Other names: NM_001127464.1:c.4687G>A; short protein forms A1591T.
Identifiers: ClinVar variation 3821127 (VCV003821127.1).

ClinVar aggregate classification (germline): Uncertain significance (1 of 4 stars; one submission).

Conditions:
Cardiovascular phenotype. Identifiers: MedGen CN230736.

gnomAD v4.1: 1 of 1,549,038 alleles (0.000065%); highest among the groups gnomAD compares: Non-Finnish European, 0.000087%; no homozygotes.

Submission:

Ambry Genetics
Classification: Uncertain significance for Cardiovascular phenotype. Last evaluated: 2025-01-28. Review status: criteria provided, single submitter. Criteria: Ambry Variant Classification Scheme 2023. Collection method: clinical testing. Allele origin: germline.
Comment: The p.A1563T variant (also known as c.4687G>A), located in coding exon 2 of the ZNF469 gene, results from a G to A substitution at nucleotide position 4687. The alanine at codon 1563 is replaced by threonine, an amino acid with similar properties. This amino acid position is conserved. In addition, this alteration is predicted to be tolerated by in silico analysis. Based on the available evidence, the clinical significance of this variant remains unclear.